The following is an entry in ClinVar:

ClinVar aggregate classification (germline): Uncertain significance (0 of 4 stars; one submission).

Conditions:
WDFY3-related disorder.

Submission:

PreventionGenetics, part of Exact Sciences
Classification: Uncertain significance for WDFY3-related condition. Last evaluated: 2024-08-07. Review status: no assertion criteria provided. Collection method: clinical testing. Allele origin: germline.
Comment: The WDFY3 c.6404A>G variant is predicted to result in the amino acid substitution p.Asn2135Ser. To our knowledge, this variant has not been reported in the literature. This variant is reported in 0.016% of alleles in individuals of European (Non-Finnish) descent in gnomAD. Although we suspect that this variant may be benign, at this time, the clinical significance of this variant is uncertain due to the absence of conclusive functional and genetic evidence.

NM_014991.6(WDFY3):c.6404A>G (p.Asn2135Ser)

Gene: WDFY3 (WD repeat and FYVE domain containing 3; minus strand). Cytogenetic location: 4q21.23.
Variant type: single nucleotide variant.
Coding change: c.6404A>G on transcript NM_014991.6 (MANE Select); coding-DNA position 6404, A replaced by G.
Protein change: p.Asn2135Ser; replaces asparagine 2135 with serine.
Molecular consequence: missense variant.
Genome position (GRCh38, 1-based): chr4:84,740,247, T>C on the plus strand (A>G on the coding strand, the complement: WDFY3 is on the minus strand). VCF-style: chr4-84740247-T-C. GRCh37 (hg19) VCF-style: chr4-85661400-T-C.
Other names: short protein forms N2135S.
Identifiers: ClinVar variation 3356924 (VCV003356924.1).